The following is an entry in ClinVar:

ClinVar aggregate classification (germline): Uncertain significance (1 of 4 stars; one submission).

gnomAD v4.1: 1 of 1,608,934 alleles (0.000062%); no homozygotes.

Submission:

GeneDx
Classification: Uncertain significance. Last evaluated: 2022-03-05. Review status: criteria provided, single submitter. Criteria: GeneDx Variant Classification Process June 2021. Collection method: clinical testing. Allele origin: germline. Affected: yes.
Comment: Not observed at significant frequency in large population cohorts (gnomAD); In silico analysis supports that this missense variant has a deleterious effect on protein structure/function; Has not been previously published as pathogenic or benign to our knowledge

NM_016148.5(SHANK1):c.158C>T (p.Ser53Phe)

Gene: SHANK1 (SH3 and multiple ankyrin repeat domains 1; minus strand). Cytogenetic location: 19q13.33.
Variant type: single nucleotide variant.
Coding change: c.158C>T on transcript NM_016148.5 (MANE Select); coding-DNA position 158, C replaced by T.
Protein change: p.Ser53Phe; replaces serine 53 with phenylalanine.
Molecular consequence: missense variant.
Genome position (GRCh38, 1-based): chr19:50,716,762, G>A on the plus strand (C>T on the coding strand, the complement: SHANK1 is on the minus strand). VCF-style: chr19-50716762-G-A. GRCh37 (hg19) VCF-style: chr19-51220019-G-A.
Other names: short protein forms S53F.
Identifiers: ClinVar variation 1703924 (VCV001703924.2), dbSNP rs2513973102, ClinGen allele CA406998596.